The following is an entry in ClinVar:

ClinVar aggregate classification (germline): Uncertain significance (1 of 4 stars; one submission).

gnomAD v4.1: 51 of 1,612,740 alleles (0.0032%); highest among the groups gnomAD compares: Non-Finnish European, 0.0042%; no homozygotes.

Submission:

Labcorp Genetics (formerly Invitae), Labcorp
Classification: Uncertain significance. Last evaluated: 2025-02-25. Review status: criteria provided, single submitter. Criteria: Invitae Variant Classification Sherloc (09022015). Collection method: clinical testing. Allele origin: germline.
Comment: This sequence change replaces lysine, which is basic and polar, with arginine, which is basic and polar, at codon 1043 of the MYH7B protein (p.Lys1043Arg). This variant is present in population databases (rs771511597, gnomAD 0.005%). This variant has not been reported in the literature in individuals affected with MYH7B-related conditions. Invitae Evidence Modeling of protein sequence and biophysical properties (such as structural, functional, and spatial information, amino acid conservation, physicochemical variation, residue mobility, and thermodynamic stability) indicates that this missense variant is not expected to disrupt MYH7B protein function with a negative predictive value of 80%. In summary, the available evidence is currently insufficient to determine the role of this variant in disease. Therefore, it has been classified as a Variant of Uncertain Significance.

NM_020884.7(MYH7B):c.3002A>G (p.Lys1001Arg)

Gene: MYH7B (myosin heavy chain 7B; plus strand). Cytogenetic location: 20q11.22.
Variant type: single nucleotide variant.
Coding change: c.3002A>G on transcript NM_020884.7 (MANE Select); coding-DNA position 3002, A replaced by G.
Protein change: p.Lys1001Arg; replaces lysine 1001 with arginine.
Molecular consequence: missense variant.
Genome position (GRCh38, 1-based): chr20:34,996,404, A>G. VCF-style: chr20-34996404-A-G. GRCh37 (hg19) VCF-style: chr20-33584207-A-G.
Other names: short protein forms K1001R.
Identifiers: ClinVar variation 4751324 (VCV004751324.1).